The following is an entry in ClinVar:

ClinVar aggregate classification (germline): Conflicting classifications of pathogenicity. Review status: criteria provided, conflicting classifications (1 of 4 stars). 2 submissions from 2 submitters: Uncertain significance (1); Likely benign (1). Last evaluated 2025-05-05.

Conditions:
Acute myeloid leukemia (AML). Also called: Acute myeloid leukemia, adult; AML adult; Acute non-lymphocytic leukemia; Acute granulocytic leukemia; Leukemia, acute myeloid, somatic; Leukemia, acute myelogenous, somatic. Identifiers: Orphanet 519, MedGen C0023467, MeSH D015470, MONDO:0018874, OMIM 601626, HP:0004808. Disease mechanism: Constitutively activated FLT3.
Inborn genetic diseases. Identifiers: MedGen C0950123, MeSH D030342.

Allele frequency attached by ClinVar (database versions not stated): ExAC below 0.00001; gnomAD exomes 0.00015.
gnomAD v4.1: 11 of 1,341,012 alleles (0.00082%); highest among the groups gnomAD compares: South Asian, 0.019%; 1 homozygote.

Submissions (2):

Labcorp Genetics (formerly Invitae), Labcorp
Classification: Uncertain significance for Acute myeloid leukemia. Last evaluated: 2025-05-05. Review status: criteria provided, single submitter. Criteria: Invitae Variant Classification Sherloc (09022015). Collection method: clinical testing. Allele origin: germline.
Comment: This sequence change replaces proline, which is neutral and non-polar, with serine, which is neutral and polar, at codon 22 of the CEBPA protein (p.Pro22Ser). This variant is present in population databases (rs770636941, gnomAD 0.5%), including at least one homozygous and/or hemizygous individual. This variant has not been reported in the literature in individuals affected with CEBPA-related conditions. ClinVar contains an entry for this variant (Variation ID: 851134). Invitae Evidence Modeling of protein sequence and biophysical properties (such as structural, functional, and spatial information, amino acid conservation, physicochemical variation, residue mobility, and thermodynamic stability) indicates that this missense variant is not expected to disrupt CEBPA protein function with a negative predictive value of 80%. In summary, the available evidence is currently insufficient to determine the role of this variant in disease. Therefore, it has been classified as a Variant of Uncertain Significance.

Ambry Genetics
Classification: Likely benign for Inborn genetic diseases. Last evaluated: 2024-08-21. Review status: criteria provided, single submitter. Criteria: Ambry Variant Classification Scheme 2023. Collection method: clinical testing. Allele origin: germline.

NM_004364.5(CEBPA):c.64C>T (p.Pro22Ser)

Gene: CEBPA (CCAAT enhancer binding protein alpha; minus strand). Cytogenetic location: 19q13.11.
Variant type: single nucleotide variant.
Coding change: c.64C>T on transcript NM_004364.5 (MANE Select); coding-DNA position 64, C replaced by T.
Protein change: p.Pro22Ser; replaces proline 22 with serine.
Molecular consequence: missense variant. On other transcripts: 5 prime UTR variant (1).
Genome position (GRCh38, 1-based): chr19:33,302,351, G>A on the plus strand (C>T on the coding strand, the complement: CEBPA is on the minus strand). VCF-style: chr19-33302351-G-A. GRCh37 (hg19) VCF-style: chr19-33793257-G-A.
Other names: c.-294C>T (NM_001285829.2); c.169C>T, p.Pro57Ser (NM_001287424.2); c.22C>T, p.Pro8Ser (NM_001287435.2); c.64C>T (NM_004364.3); short protein forms P22S, P57S, P8S.
Identifiers: ClinVar variation 851134 (VCV000851134.9), dbSNP rs770636941, ClinGen allele CA9363719.